The following is an entry in ClinVar:

NM_001082486.2(ACD):c.428A>G (p.Asp143Gly)

Gene: ACD (ACD shelterin complex subunit and telomerase recruitment factor; minus strand). Cytogenetic location: 16q22.1.
Variant type: single nucleotide variant.
Coding change: c.428A>G on transcript NM_001082486.2 (MANE Select); coding-DNA position 428, A replaced by G.
Protein change: p.Asp143Gly; replaces aspartic acid 143 with glycine.
Molecular consequence: missense variant.
Genome position (GRCh38, 1-based): chr16:67,659,405, T>C on the plus strand (A>G on the coding strand, the complement: ACD is on the minus strand). VCF-style: chr16-67659405-T-C. GRCh37 (hg19) VCF-style: chr16-67693308-T-C.
Other names: c.428A>G, p.Asp143Gly (NM_001410884.1); c.419A>G, p.Asp140Gly (NM_022914.3); short protein forms D140G, D143G.
Identifiers: ClinVar variation 1755874 (VCV001755874.2), dbSNP rs2543606864, ClinGen allele CA396354921.

ClinVar aggregate classification (germline): Uncertain significance (1 of 4 stars; one submission).

Conditions:
Inborn genetic diseases. Identifiers: MedGen C0950123, MeSH D030342.

Allele frequency attached by ClinVar (database versions not stated): gnomAD exomes below 0.00001.
gnomAD v4.1: 1 of 1,613,936 alleles (0.000062%); highest among the groups gnomAD compares: Non-Finnish European, 0.000085%; no homozygotes.

Submission:

Ambry Genetics
Classification: Uncertain significance for Inborn genetic diseases. Last evaluated: 2022-03-04. Review status: criteria provided, single submitter. Criteria: Ambry Variant Classification Scheme 2023. Collection method: clinical testing. Allele origin: germline.
Comment: The p.D229G variant (also known as c.686A>G), located in coding exon 5 of the ACD gene, results from an A to G substitution at nucleotide position 686. The aspartic acid at codon 229 is replaced by glycine, an amino acid with similar properties. This amino acid position is conserved. In addition, this alteration is predicted to be tolerated by in silico analysis. Since supporting evidence is limited at this time, the clinical significance of this alteration remains unclear.